The following is an entry in ClinVar:

NM_012205.3(HAAO):c.301G>T (p.Gly101Trp)

Gene: HAAO (3-hydroxyanthranilate 3,4-dioxygenase; minus strand). Cytogenetic location: 2p21.
Variant type: single nucleotide variant.
Coding change: c.301G>T on transcript NM_012205.3 (MANE Select); coding-DNA position 301, G replaced by T.
Protein change: p.Gly101Trp; replaces glycine 101 with tryptophan.
Molecular consequence: missense variant.
Genome position (GRCh38, 1-based): chr2:42,783,363, C>A on the plus strand (G>T on the coding strand, the complement: HAAO is on the minus strand). VCF-style: chr2-42783363-C-A. GRCh37 (hg19) VCF-style: chr2-43010503-C-A.
Other names: c.301G>T (NM_012205.2); short protein forms G101W.
Identifiers: ClinVar variation 988087 (VCV000988087.6), dbSNP rs1672152382, ClinGen allele CA346637213.

ClinVar aggregate classification (germline): Likely pathogenic. Review status: criteria provided, single submitter (1 of 4 stars). 3 submissions from 3 submitters: Likely pathogenic (1). 2 of the submissions do not count toward it. Last evaluated 2021-11-24.

Conditions:
Vertebral, cardiac, renal, and limb defects syndrome 1. Also called: 3-HYDROXYANTHRANILIC ACIDEMIA; CONGENITAL NAD DEFICIENCY DISORDER 1. Identifiers: MedGen C4540004, MONDO:0060554, OMIM 617660.
Congenital NAD deficiency disorder. Identifiers: MedGen CN241975.

Submissions (3):

GeneDx
Classification: Likely pathogenic. Last evaluated: 2021-11-24. Review status: criteria provided, single submitter. Criteria: GeneDx Variant Classification Process June 2021. Collection method: clinical testing. Allele origin: germline. Affected: yes.
Comment: Published functional studies demonstrate a damaging effect to enzyme function (Szot JO et al., 2021); In silico analysis supports that this missense variant has a deleterious effect on protein structure/function; Not observed at significant frequency in large population cohorts (Lek et al., 2016); This variant is associated with the following publications: (PMID: 33942433)

OMIM
Classification: Pathogenic for VERTEBRAL, CARDIAC, RENAL, AND LIMB DEFECTS SYNDROME 1. Last evaluated: 2022-07-15. Review status: no assertion criteria provided. Collection method: literature only. Allele origin: germline. Not counted in ClinVar's aggregate classification.

Embryology Laboratory, Victor Chang Cardiac Research Institute
Classification: Pathogenic for Congenital NAD Deficiency Disorder. Last evaluated: 2020-11-11. Review status: no assertion criteria provided. Collection method: research. Allele origin: inherited. Inheritance: Autosomal recessive inheritance. Affected: yes. Observed: 1 variant allele, 1 compound heterozygote. Not counted in ClinVar's aggregate classification.
Comment: This variant, c.301G>T, was found in compound heterozygosity with the pathogenic variant c.323G>A

Literature cited by the submitters: PubMed 33942433 (cited by OMIM and Embryology Laboratory, Victor Chang Cardiac Research Institute).